The following is an entry in ClinVar:

NM_021813.4(BACH2):c.727T>C (p.Tyr243His)

Gene: BACH2 (BACH transcriptional regulator 2; minus strand). Cytogenetic location: 6q15.
Variant type: single nucleotide variant.
Coding change: c.727T>C on transcript NM_021813.4 (MANE Select); coding-DNA position 727, T replaced by C.
Protein change: p.Tyr243His; replaces tyrosine 243 with histidine.
Molecular consequence: missense variant.
Genome position (GRCh38, 1-based): chr6:89,951,379, A>G on the plus strand (T>C on the coding strand, the complement: BACH2 is on the minus strand). VCF-style: chr6-89951379-A-G. GRCh37 (hg19) VCF-style: chr6-90661098-A-G.
Other names: c.727T>C, p.Tyr243His (NM_001170794.2); short protein forms Y243H.
Identifiers: ClinVar variation 2120563 (VCV002120563.4), dbSNP rs2533567358, ClinGen allele CA365072360.

ClinVar aggregate classification (germline): Uncertain significance (1 of 4 stars; one submission).

gnomAD v4.1: 1 of 1,614,250 alleles (0.000062%); no homozygotes.

Submission:

Labcorp Genetics (formerly Invitae), Labcorp
Classification: Uncertain significance. Last evaluated: 2022-04-01. Review status: criteria provided, single submitter. Criteria: Invitae Variant Classification Sherloc (09022015). Collection method: clinical testing. Allele origin: germline.
Comment: In summary, the available evidence is currently insufficient to determine the role of this variant in disease. Therefore, it has been classified as a Variant of Uncertain Significance. Algorithms developed to predict the effect of missense changes on protein structure and function (SIFT, PolyPhen-2, Align-GVGD) all suggest that this variant is likely to be tolerated. This variant has not been reported in the literature in individuals affected with BACH2-related conditions. This variant is not present in population databases (gnomAD no frequency). This sequence change replaces tyrosine, which is neutral and polar, with histidine, which is basic and polar, at codon 243 of the BACH2 protein (p.Tyr243His).